The following is an entry in ClinVar:

NM_004614.5(TK2):c.144G>A (p.Glu48=)

Gene: TK2 (thymidine kinase 2; minus strand). Cytogenetic location: 16q21.
Variant type: single nucleotide variant.
Coding change: c.144G>A on transcript NM_004614.5 (MANE Select); coding-DNA position 144, G replaced by A.
Protein change: p.Glu48=; no amino-acid change (glutamic acid 48 retained).
Molecular consequence: synonymous variant. On other transcripts: 5 prime UTR variant (2), non-coding transcript variant (1).
Genome position (GRCh38, 1-based): chr16:66,548,990, C>T on the plus strand (G>A on the coding strand, the complement: TK2 is on the minus strand). VCF-style: chr16-66548990-C-T. GRCh37 (hg19) VCF-style: chr16-66582893-C-T.
Other names: c.144G>A (NM_004614.4); c.51G>A, p.Glu17= (NM_001172643.1, NM_001271935.1); c.144G>A, p.Glu48= (NM_001172644.2, NM_001172645.2); c.-99G>A (NM_001271934.2); c.-148G>A (NM_001272050.2).
Identifiers: ClinVar variation 1620430 (VCV001620430.23), dbSNP rs772800872, ClinGen allele CA8093817.

ClinVar aggregate classification (germline): Likely benign. Review status: criteria provided, multiple submitters, no conflicts (2 of 4 stars). 3 submissions from 3 submitters: Likely benign (3). Last evaluated 2026-07-14.

Conditions:
TK2-related disorder. Also called: TK2-related condition.

Allele frequency attached by ClinVar (database versions not stated): ExAC 0.00001; gnomAD 0.00002; gnomAD exomes 0.00003; TOPMed 0.00003.
gnomAD v4.1: 54 of 1,613,488 alleles (0.0033%); highest among the groups gnomAD compares: Non-Finnish European, 0.0042%; no homozygotes.

Submissions (3):

PreventionGenetics, part of Exact Sciences
Classification: Likely benign for TK2-related condition. Last evaluated: 2026-07-14. Review status: criteria provided, single submitter. Criteria: ACMG Guidelines, 2015. Collection method: clinical testing. Allele origin: germline.
Comment: This variant is classified as likely benign based on ACMG/AMP sequence variant interpretation guidelines (Richards et al. 2015 PMID: 25741868, with internal and published modifications).

Labcorp Genetics (formerly Invitae), Labcorp
Classification: Likely benign. Last evaluated: 2025-10-24. Review status: criteria provided, single submitter. Criteria: Invitae Variant Classification Sherloc (09022015). Collection method: clinical testing. Allele origin: germline.

CeGaT Center for Human Genetics Tuebingen
Classification: Likely benign. Last evaluated: 2024-11-01. Review status: criteria provided, single submitter. Criteria: CeGaT Center For Human Genetics Tuebingen Variant Classification Criteria Version 2. Collection method: clinical testing. Allele origin: germline. Affected: yes. Observed: 1 variant allele.
Comment: TK2: BP4, BP7